The following is an entry in ClinVar:

ClinVar aggregate classification (germline): Uncertain significance. Review status: criteria provided, multiple submitters, no conflicts (2 of 4 stars). 3 submissions from 3 submitters: Uncertain significance (3). Last evaluated 2026-06-05.

Conditions:
Hereditary cancer-predisposing syndrome. Also called: Hereditary Cancer Syndrome; Neoplastic Syndromes, Hereditary; Tumor predisposition; Hereditary neoplastic syndrome. Identifiers: Orphanet 140162, MedGen C0027672, MeSH D009386, MONDO:0015356.

Submissions (3):

Ambry Genetics
Classification: Uncertain significance for Hereditary cancer-predisposing syndrome. Last evaluated: 2026-06-05. Review status: criteria provided, single submitter. Criteria: Ambry Variant Classification Scheme 2023. Collection method: clinical testing. Allele origin: germline.
Comment: The p.R838K variant (also known as c.2513G>A), located in coding exon 15 of the APC gene, results from a G to A substitution at nucleotide position 2513. The arginine at codon 838 is replaced by lysine, an amino acid with highly similar properties. This amino acid position is conserved. In addition, in silico predictors for this gene do not accurately predict pathogenicity. Based on the available evidence, the clinical significance of this variant remains unclear.

Institute for Biomarker Research, Medical Diagnostic Laboratories, L.L.C.
Classification: Uncertain significance for Hereditary cancer-predisposing syndrome. Last evaluated: 2022-06-28. Review status: criteria provided, single submitter. Criteria: ACMG Guidelines, 2015. Collection method: clinical testing. Allele origin: germline.

Color Diagnostics, LLC DBA Color Health
Classification: Uncertain significance for Hereditary cancer-predisposing syndrome. Last evaluated: 2019-05-14. Review status: criteria provided, single submitter. Criteria: ACMG Guidelines, 2015. Collection method: clinical testing. Allele origin: germline.

NM_000038.6(APC):c.2513G>A (p.Arg838Lys)

Gene: APC (APC regulator of Wnt signaling pathway; plus strand). Cytogenetic location: 5q22.2.
Variant type: single nucleotide variant.
Coding change: c.2513G>A on transcript NM_000038.6 (MANE Select); coding-DNA position 2513, G replaced by A.
Protein change: p.Arg838Lys; replaces arginine 838 with lysine.
Molecular consequence: missense variant.
Genome position (GRCh38, 1-based): chr5:112,838,107, G>A. VCF-style: chr5-112838107-G-A. GRCh37 (hg19) VCF-style: chr5-112173804-G-A.
Other names: c.2513G>A, p.Arg838Lys (NM_001127510.3, NM_001354895.2); c.2459G>A, p.Arg820Lys (NM_001127511.3); c.2567G>A, p.Arg856Lys (NM_001354896.2); c.2543G>A, p.Arg848Lys (NM_001354897.2); c.2438G>A, p.Arg813Lys (NM_001354898.2); c.2429G>A, p.Arg810Lys (NM_001354899.2); c.2390G>A, p.Arg797Lys (NM_001354900.2); c.2336G>A, p.Arg779Lys (NM_001354901.2); and 5 more; short protein forms R747K, R779K, R820K, R797K, R810K, R838K, R848K, R856K.
Identifiers: ClinVar variation 921760 (VCV000921760.4), dbSNP rs1765200954, ClinGen allele CA16026834.